The following is an entry in ClinVar:

NM_003900.5(SQSTM1):c.428G>A (p.Ser143Asn)

Gene: SQSTM1 (sequestosome 1; plus strand). Cytogenetic location: 5q35.3.
Variant type: single nucleotide variant.
Coding change: c.428G>A on transcript NM_003900.5 (MANE Select); coding-DNA position 428, G replaced by A.
Protein change: p.Ser143Asn; replaces serine 143 with asparagine.
Molecular consequence: missense variant.
Genome position (GRCh38, 1-based): chr5:179,823,984, G>A. VCF-style: chr5-179823984-G-A. GRCh37 (hg19) VCF-style: chr5-179250984-G-A.
Other names: c.176G>A, p.Ser59Asn (NM_001142298.2, NM_001142299.2); short protein forms S143N, S59N.
Identifiers: ClinVar variation 4782938 (VCV004782938.1).

ClinVar aggregate classification (germline): Uncertain significance (1 of 4 stars; one submission).

Conditions:
Frontotemporal dementia and/or amyotrophic lateral sclerosis 1 (FTDALS1). Also called: C9orf72 Frontotemporal Dementia and/or Amyotrophic Lateral Sclerosis; Frontotemporal dementia with motor neuron disease 1. Identifiers: Orphanet 275872, MedGen C5779877, MONDO:0007105, OMIM 105550.
Paget disease of bone 2, early-onset (PDB2). Also called: Paget disease of bone 2. Identifiers: MedGen C4085251, MONDO:0011183, OMIM 602080.

gnomAD v4.1: 1 of 1,614,044 alleles (0.000062%); highest among the groups gnomAD compares: Non-Finnish European, 0.000085%; no homozygotes.

Submission:

Labcorp Genetics (formerly Invitae), Labcorp
Classification: Uncertain significance for Paget disease of bone 2, early-onset; Frontotemporal dementia and/or amyotrophic lateral sclerosis 1. Last evaluated: 2025-04-10. Review status: criteria provided, single submitter. Criteria: Invitae Variant Classification Sherloc (09022015). Collection method: clinical testing. Allele origin: germline.
Comment: This sequence change replaces serine, which is neutral and polar, with asparagine, which is neutral and polar, at codon 143 of the SQSTM1 protein (p.Ser143Asn). This variant is present in population databases (rs370096430, gnomAD 0.01%). This variant has not been reported in the literature in individuals affected with SQSTM1-related conditions. Invitae Evidence Modeling of protein sequence and biophysical properties (such as structural, functional, and spatial information, amino acid conservation, physicochemical variation, residue mobility, and thermodynamic stability) indicates that this missense variant is not expected to disrupt SQSTM1 protein function with a negative predictive value of 80%. In summary, the available evidence is currently insufficient to determine the role of this variant in disease. Therefore, it has been classified as a Variant of Uncertain Significance.